The following is an entry in ClinVar:

NM_013262.4(MYLIP):c.308C>A (p.Ala103Asp)

Gene: MYLIP (myosin regulatory light chain interacting protein; plus strand). Cytogenetic location: 6p22.3.
Variant type: single nucleotide variant.
Coding change: c.308C>A on transcript NM_013262.4 (MANE Select); coding-DNA position 308, C replaced by A.
Protein change: p.Ala103Asp; replaces alanine 103 with aspartic acid.
Molecular consequence: missense variant.
Genome position (GRCh38, 1-based): chr6:16,141,654, C>A. VCF-style: chr6-16141654-C-A. GRCh37 (hg19) VCF-style: chr6-16141885-C-A.
Other names: c.308C>A (NM_013262.3); short protein forms A103D.
Identifiers: ClinVar variation 3023293 (VCV003023293.4), dbSNP rs752715251, ClinGen allele CA3644449.

ClinVar aggregate classification (germline): Uncertain significance. Review status: criteria provided, multiple submitters, no conflicts (2 of 4 stars). 2 submissions from 2 submitters: Uncertain significance (2). Last evaluated 2025-05-13.

Allele frequency attached by ClinVar (database versions not stated): TOPMed below 0.00001; gnomAD 0.00001; ExAC 0.00002; gnomAD exomes 0.00003.
gnomAD v4.1: 45 of 1,613,330 alleles (0.0028%); highest among the groups gnomAD compares: Admixed American, 0.005%; no homozygotes.

Submissions (2):

Ambry Genetics
Classification: Uncertain significance. Last evaluated: 2025-05-13. Review status: criteria provided, single submitter. Criteria: Ambry Variant Classification Scheme 2023. Collection method: clinical testing. Allele origin: germline.

Labcorp Genetics (formerly Invitae), Labcorp
Classification: Uncertain significance. Last evaluated: 2023-01-31. Review status: criteria provided, single submitter. Criteria: Invitae Variant Classification Sherloc (09022015). Collection method: clinical testing. Allele origin: germline.
Comment: This sequence change replaces alanine, which is neutral and non-polar, with aspartic acid, which is acidic and polar, at codon 103 of the MYLIP protein (p.Ala103Asp). This variant is present in population databases (rs752715251, gnomAD 0.006%). This variant has not been reported in the literature in individuals affected with MYLIP-related conditions. Algorithms developed to predict the effect of missense changes on protein structure and function output the following: SIFT: "Tolerated"; PolyPhen-2: "Benign"; Align-GVGD: "Class C0". The aspartic acid amino acid residue is found in multiple mammalian species, which suggests that this missense change does not adversely affect protein function. In summary, the available evidence is currently insufficient to determine the role of this variant in disease. Therefore, it has been classified as a Variant of Uncertain Significance.